The following is an entry in ClinVar:

NM_000291.4(PGK1):c.65+6T>A

Gene: PGK1 (phosphoglycerate kinase 1; plus strand). Cytogenetic location: Xq21.1.
Variant type: single nucleotide variant.
Coding change: c.65+6T>A on transcript NM_000291.4 (MANE Select); 6 bases into the intron after coding-DNA position 65, T replaced by A.
Molecular consequence: intron variant.
Genome position (GRCh38, 1-based): chrX:78,104,411, T>A. VCF-style: chrX-78104411-T-A. GRCh37 (hg19) VCF-style: chrX-77359908-T-A.
Identifiers: ClinVar variation 1960622 (VCV001960622.6), dbSNP rs1557245939, ClinGen allele CA642708149.
Genomic context (GRCh38, chrX:78,104,411, plus strand): 5'-CTAACAAGCTGACGCTGGACAAGCTGGACGTTAAAGGGAAGCGGGTCGTTATGAGGTAAT[T>A]CTGCACGTTTGCCCGCGTGCTCTCTGTGCTCTGTCGCAAACCTCTTTGGCCGGAGCCGAC-3'

ClinVar aggregate classification (germline): Conflicting classifications of pathogenicity. Review status: criteria provided, conflicting classifications (1 of 4 stars). 2 submissions from 2 submitters: Uncertain significance (1); Likely benign (1). Last evaluated 2022-07-15.

Allele frequency attached by ClinVar (database versions not stated): gnomAD exomes below 0.00001; gnomAD 0.00001; TOPMed 0.00001.
gnomAD v4.1: 7 of 1,177,872 alleles (0.00059%); highest among the groups gnomAD compares: South Asian, 0.0036%; no homozygotes.

Submissions (2):

Labcorp Genetics (formerly Invitae), Labcorp
Classification: Uncertain significance. Last evaluated: 2022-07-15. Review status: criteria provided, single submitter. Criteria: Invitae Variant Classification Sherloc (09022015). Collection method: clinical testing. Allele origin: germline.
Comment: This sequence change falls in intron 1 of the PGK1 gene. It does not directly change the encoded amino acid sequence of the PGK1 protein. It affects a nucleotide within the consensus splice site. This variant is present in population databases (no rsID available, gnomAD no frequency). This variant has not been reported in the literature in individuals affected with PGK1-related conditions. Variants that disrupt the consensus splice site are a relatively common cause of aberrant splicing (PMID: 17576681, 9536098). Algorithms developed to predict the effect of sequence changes on RNA splicing suggest that this variant is not likely to affect RNA splicing. In summary, the available evidence is currently insufficient to determine the role of this variant in disease. Therefore, it has been classified as a Variant of Uncertain Significance.

Blueprint Genetics
Classification: Likely benign. Last evaluated: 2020-12-17. Review status: criteria provided, single submitter. Criteria: ACMG Guidelines, 2015. Collection method: clinical testing. Allele origin: germline.

Literature cited by the submitters: PubMed 17576681 (cited by Labcorp Genetics (formerly Invitae), Labcorp); PubMed 9536098 (cited by Labcorp Genetics (formerly Invitae), Labcorp).